The following is an entry in ClinVar:

ClinVar aggregate classification (germline): Likely benign. Review status: criteria provided, multiple submitters, no conflicts (2 of 4 stars). 2 submissions from 2 submitters: Likely benign (2). Last evaluated 2025-08-12.

Conditions:
Epileptic encephalopathy. Identifiers: MedGen C0543888, HP:0200134.

Allele frequency attached by ClinVar (database versions not stated): ExAC 0.00001; gnomAD 0.00002; gnomAD exomes 0.00002; TOPMed 0.00002.
gnomAD v4.1: 38 of 1,612,168 alleles (0.0024%); highest among the groups gnomAD compares: East Asian, 0.0067%; no homozygotes.

Submissions (2):

Labcorp Genetics (formerly Invitae), Labcorp
Classification: Likely benign for Epileptic encephalopathy. Last evaluated: 2025-08-12. Review status: criteria provided, single submitter. Criteria: Invitae Variant Classification Sherloc (09022015). Collection method: clinical testing. Allele origin: germline.

CeGaT Center for Human Genetics Tuebingen
Classification: Likely benign. Last evaluated: 2023-07-01. Review status: criteria provided, single submitter. Criteria: CeGaT Center For Human Genetics Tuebingen Variant Classification Criteria Version 2. Collection method: clinical testing. Allele origin: germline. Affected: yes. Observed: 1 variant allele.
Comment: GABBR2: BP4, BP7

NM_005458.8(GABBR2):c.702C>T (p.Asn234=)

Genes: GABBR2 (gamma-aminobutyric acid type B receptor subunit 2; minus strand), LOC126860700 (CDK7 strongly-dependent group 2 enhancer GRCh37_chr9:101257622-101258821; plus strand). Cytogenetic location: 9q22.33.
Variant type: single nucleotide variant.
Coding change: c.702C>T on transcript NM_005458.8 (MANE Select); coding-DNA position 702, C replaced by T.
Protein change: p.Asn234=; no amino-acid change (asparagine 234 retained).
Molecular consequence: synonymous variant.
Genome position (GRCh38, 1-based): chr9:98,496,443, G>A on the plus strand (C>T on the coding strand, the complement: GABBR2 is on the minus strand). VCF-style: chr9-98496443-G-A. GRCh37 (hg19) VCF-style: chr9-101258725-G-A.
Identifiers: ClinVar variation 1147891 (VCV001147891.33), dbSNP rs759372813, ClinGen allele CA5152917.